The following is an entry in ClinVar:

NM_001005273.3(CHD3):c.3895A>G (p.Ile1299Val)

Gene: CHD3 (chromodomain helicase DNA binding protein 3; plus strand). Cytogenetic location: 17p13.1.
Variant type: single nucleotide variant.
Coding change: c.3895A>G on transcript NM_001005273.3 (MANE Select); coding-DNA position 3895, A replaced by G.
Protein change: p.Ile1299Val; replaces isoleucine 1299 with valine.
Molecular consequence: missense variant.
Genome position (GRCh38, 1-based): chr17:7,904,442, A>G. VCF-style: chr17-7904442-A-G. GRCh37 (hg19) VCF-style: chr17-7807760-A-G.
Other names: c.4072A>G, p.Ile1358Val (NM_001005271.3); c.3895A>G, p.Ile1299Val (NM_005852.4); short protein forms I1299V, I1358V.
Identifiers: ClinVar variation 1214322 (VCV001214322.3), dbSNP rs2151615075, ClinGen allele CA397944008.

ClinVar aggregate classification (germline): Uncertain significance (1 of 4 stars; one submission).

Submission:

GeneDx
Classification: Uncertain significance. Last evaluated: 2019-09-19. Review status: criteria provided, single submitter. Criteria: GeneDx Variant Classification Process June 2021. Collection method: clinical testing. Allele origin: germline. Affected: yes.
Comment: Not observed in large population cohorts (Lek et al., 2016); In silico analysis, which includes protein predictors and evolutionary conservation, supports that this variant does not alter protein structure/function; Has not been previously published as pathogenic or benign to our knowledge